The following is an entry in ClinVar:

ClinVar aggregate classification (germline): Uncertain significance (1 of 4 stars; one submission).

Conditions:
Hereditary cancer-predisposing syndrome. Also called: Neoplastic Syndromes, Hereditary; Tumor predisposition; Hereditary Cancer Syndrome; Hereditary neoplastic syndrome. Identifiers: Orphanet 140162, MedGen C0027672, MeSH D009386, MONDO:0015356.

Submission:

Ambry Genetics
Classification: Uncertain significance for Hereditary cancer-predisposing syndrome. Last evaluated: 2025-12-06. Review status: criteria provided, single submitter. Criteria: Ambry Variant Classification Scheme 2023. Collection method: clinical testing. Allele origin: germline.
Comment: The p.A123T variant (also known as c.367G>A), located in coding exon 3 of the FH gene, results from a G to A substitution at nucleotide position 367. The alanine at codon 123 is replaced by threonine, an amino acid with similar properties. This amino acid position is highly conserved in available vertebrate species. In addition, this alteration is predicted to be deleterious by in silico analysis. Since supporting evidence is limited at this time, the clinical significance of this alteration remains unclear.

NM_000143.4(FH):c.367G>A (p.Ala123Thr)

Gene: FH (fumarate hydratase; minus strand). Cytogenetic location: 1q43.
Variant type: single nucleotide variant.
Coding change: c.367G>A on transcript NM_000143.4 (MANE Select); coding-DNA position 367, G replaced by A.
Protein change: p.Ala123Thr; replaces alanine 123 with threonine.
Molecular consequence: missense variant.
Genome position (GRCh38, 1-based): chr1:241,513,614, C>T on the plus strand (G>A on the coding strand, the complement: FH is on the minus strand). VCF-style: chr1-241513614-C-T. GRCh37 (hg19) VCF-style: chr1-241676914-C-T.
Other names: short protein forms A123T.
Identifiers: ClinVar variation 1733870 (VCV001733870.4), dbSNP rs1660144128, ClinGen allele CA345440460.
Genomic context (GRCh38, chr1:241,513,614, plus strand): 5'-TATGGCATGGGTCTGAGGTTATTAAGCAAACACACTTATCACCTCCTACCTCATCTGCTG[C>T]CTTCATTATTGCATTAGCAATCTTTGGATCAAGACCATAATCCTGGTTTACTTCAGCGGC-3'
Protein context (NP_000134.2, residues 113-133): DPKIANAIMK[Ala123Thr]ADEVAEGKLN